The following is an entry in ClinVar:

NM_001378964.1(CDON):c.727T>G (p.Cys243Gly)

Gene: CDON (cell adhesion associated, oncogene regulated; minus strand). Cytogenetic location: 11q24.2.
Variant type: single nucleotide variant.
Coding change: c.727T>G on transcript NM_001378964.1 (MANE Select); coding-DNA position 727, T replaced by G.
Protein change: p.Cys243Gly; replaces cysteine 243 with glycine.
Molecular consequence: missense variant.
Genome position (GRCh38, 1-based): chr11:126,017,289, A>C on the plus strand (T>G on the coding strand, the complement: CDON is on the minus strand). VCF-style: chr11-126017289-A-C. GRCh37 (hg19) VCF-style: chr11-125887184-A-C.
Other names: c.727T>G, p.Cys243Gly (NM_001243597.3, NM_016952.6); short protein forms C243G.
Identifiers: ClinVar variation 4056893 (VCV004056893.1).

ClinVar aggregate classification (germline): Uncertain significance (1 of 4 stars; one submission).

Submission:

GeneDx
Classification: Uncertain significance. Last evaluated: 2025-01-03. Review status: criteria provided, single submitter. Criteria: GeneDx Variant Classification Process June 2021. Collection method: clinical testing. Allele origin: germline. Affected: yes.
Comment: Not observed at significant frequency in large population cohorts (gnomAD); In silico analysis supports that this missense variant has a deleterious effect on protein structure/function; Has not been previously published as pathogenic or benign to our knowledge